The following is an entry in ClinVar:

ClinVar aggregate classification (germline): Uncertain significance (1 of 4 stars; one submission).

Conditions:
Primary familial hypertrophic cardiomyopathy (HCM). Identifiers: Orphanet 99739, MedGen C0949658, MeSH D024741, MONDO:0024573. Inheritance: Various modes of inheritance.
Dilated cardiomyopathy 1AA (CMD1AA). Also called: CARDIOMYOPATHY, DILATED, 1AA, WITH OR WITHOUT LEFT VENTRICULAR NONCOMPACTION; CARDIOMYOPATHY, FAMILIAL HYPERTROPHIC, 23, WITH OR WITHOUT LEFT VENTRICULAR NONCOMPACTION; Cardiomyopathy, dilated, 1AA, with or without LVNC. Identifiers: Orphanet 154, MedGen C2677338, MONDO:0012808, OMIM 612158.

gnomAD v4.1: 6 of 1,614,162 alleles (0.00037%); highest among the groups gnomAD compares: Non-Finnish European, 0.00051%; no homozygotes.

Submission:

Labcorp Genetics (formerly Invitae), Labcorp
Classification: Uncertain significance for Primary familial hypertrophic cardiomyopathy; Dilated cardiomyopathy 1AA. Last evaluated: 2023-02-24. Review status: criteria provided, single submitter. Criteria: Invitae Variant Classification Sherloc (09022015). Collection method: clinical testing. Allele origin: germline.
Comment: In summary, the available evidence is currently insufficient to determine the role of this variant in disease. Therefore, it has been classified as a Variant of Uncertain Significance. Advanced modeling of protein sequence and biophysical properties (such as structural, functional, and spatial information, amino acid conservation, physicochemical variation, residue mobility, and thermodynamic stability) performed at Invitae indicates that this missense variant is expected to disrupt ACTN2 protein function. This variant has not been reported in the literature in individuals affected with ACTN2-related conditions. The frequency data for this variant in the population databases is considered unreliable, as metrics indicate poor data quality at this position in the gnomAD database. This sequence change replaces arginine, which is basic and polar, with leucine, which is neutral and non-polar, at codon 457 of the ACTN2 protein (p.Arg457Leu).

NM_001103.4(ACTN2):c.1370G>T (p.Arg457Leu)

Gene: ACTN2 (actinin alpha 2; plus strand). Cytogenetic location: 1q43.
Variant type: single nucleotide variant.
Coding change: c.1370G>T on transcript NM_001103.4 (MANE Select); coding-DNA position 1370, G replaced by T.
Protein change: p.Arg457Leu; replaces arginine 457 with leucine.
Molecular consequence: missense variant. On other transcripts: non-coding transcript variant (1).
Genome position (GRCh38, 1-based): chr1:236,744,740, G>T. VCF-style: chr1-236744740-G-T. GRCh37 (hg19) VCF-style: chr1-236908040-G-T.
Other names: c.1370G>T, p.Arg457Leu (NM_001278343.2); c.746G>T, p.Arg249Leu (NM_001278344.2); c.620G>T, p.Arg207Leu (NM_001412150.1); short protein forms R249L, R457L, R207L.
Identifiers: ClinVar variation 2928895 (VCV002928895.3), dbSNP rs781559530, ClinGen allele CA1473133.